The following is an entry in ClinVar:

ClinVar aggregate classification (germline): Pathogenic/Likely pathogenic. Review status: criteria provided, multiple submitters, no conflicts (2 of 4 stars). 3 submissions from 3 submitters: Pathogenic (2); Likely pathogenic (1). Last evaluated 2026-04-29.

Conditions:
Neurofibromatosis, type 1 (NF1). Also called: Peripheral type neurofibromatosis; Neurofibromatosis, type I; NEUROFIBROMATOSIS, TYPE I, SOMATIC; VON RECKLINGHAUSEN DISEASE. Identifiers: Orphanet 636, MedGen C0027831, MONDO:0018975, OMIM 162200. Disease mechanism: loss of function.
Hereditary cancer-predisposing syndrome. Also called: Tumor predisposition; Neoplastic Syndromes, Hereditary; Hereditary Cancer Syndrome; Hereditary neoplastic syndrome. Identifiers: Orphanet 140162, MedGen C0027672, MeSH D009386, MONDO:0015356.

Submissions (3):

Service of Pediatric Gastrohepatology and Metabolic Diseases, University of Medicine of Tirana
Classification: Likely pathogenic for Neurofibromatosis, type 1. Last evaluated: 2026-04-29. Review status: criteria provided, single submitter. Criteria: ACMG Guidelines, 2015. Collection method: clinical testing. Allele origin: germline. Inheritance: Autosomal dominant inheritance. Affected: yes. Observed: 1 variant allele.
Comment: NF1 c.4635C>A was classified as Likely pathogenic using ACMG/AMP 2015 criteria (PMID:25741868). Evidence considered includes PM2 for rarity/absence in population databases when reviewed, PP3 for predicted deleterious effect, and PP4 for a phenotype consistent with NF1-related neurofibromatosis type 1 (OMIM:162200).

Labcorp Genetics (formerly Invitae), Labcorp
Classification: Pathogenic for Neurofibromatosis, type 1. Last evaluated: 2025-03-30. Review status: criteria provided, single submitter. Criteria: Invitae Variant Classification Sherloc (09022015). Collection method: clinical testing. Allele origin: germline.
Comment: This sequence change creates a premature translational stop signal (p.Tyr1524*) in the NF1 gene. It is expected to result in an absent or disrupted protein product. Loss-of-function variants in NF1 are known to be pathogenic (PMID: 10712197, 23913538). This variant is not present in population databases (gnomAD no frequency). This premature translational stop signal has been observed in individual(s) with clinical features of neurofibromatosis, type 1 (PMID: 23913538, 25541118). ClinVar contains an entry for this variant (Variation ID: 428949). Algorithms developed to predict the effect of sequence changes on RNA splicing suggest that this variant may disrupt the consensus splice site. For these reasons, this variant has been classified as Pathogenic.

Ambry Genetics
Classification: Pathogenic for Hereditary cancer-predisposing syndrome. Last evaluated: 2014-07-11. Review status: criteria provided, single submitter. Criteria: Ambry Autosomal Dominant and X-Linked criteria (10/2015). Collection method: clinical testing. Allele origin: germline. Observed: 1 variant allele.
Comment: The p.Y1545* pathogenic mutation (also known as c.4635C>A) located in coding exon 35 of the NF1 gene, results from a C to A substitution at nucleotide position 4635. This changes the amino acid from a tyrosine to a stop codon within coding exon 35.<span style="background-color: initial;">This pathogenic alteration was described in two individuals with neurofibromatosis type 1 out of a cohort of 565 affected individuals. (<span style="background-color: initial;">Sabbagh A, et al.Hum. Mutat. 2013 Nov; 34(11):1510-8).<span style="background-color: initial;">Additionally, this pathogenic alteration was described in one individual with neurofibromatosis type 1 out of a cohort of 113 affected individuals. (<span style="background-color: initial;">Garcia-Linares C, et al.Hum. Mutat. 2011 Jan; 32(1):78-90). In addition to the clinical data presented in the literature, s<span style="background-color: initial;">ince premature stop codons are typically deleterious in nature, this alteration is interpreted as a disease-causing mutation (ACMG Recommendations for Standards for Interpretation and Reporting of Sequence Variations. Revision 2007. Genet Med. 2008;10:294).

Literature cited by the submitters: PubMed 10712197 (cited by Labcorp Genetics (formerly Invitae), Labcorp); PubMed 23913538 (cited by Labcorp Genetics (formerly Invitae), Labcorp and Ambry Genetics); PubMed 25541118 (cited by Labcorp Genetics (formerly Invitae), Labcorp); PubMed 21031597 (cited by Ambry Genetics).

NM_001042492.3(NF1):c.4635C>A (p.Tyr1545Ter)

Gene: NF1 (neurofibromin 1; plus strand). Cytogenetic location: 17q11.2.
Variant type: single nucleotide variant.
Coding change: c.4635C>A on transcript NM_001042492.3 (MANE Select); coding-DNA position 4635, C replaced by A.
Protein change: p.Tyr1545Ter; replaces tyrosine 1545 with a stop codon.
Molecular consequence: nonsense.
Genome position (GRCh38, 1-based): chr17:31,261,768, C>A. VCF-style: chr17-31261768-C-A. GRCh37 (hg19) VCF-style: chr17-29588786-C-A.
Other names: c.4572C>A, p.Tyr1524Ter (NM_000267.4); short protein forms Y1524*, Y1545*.
Identifiers: ClinVar variation 428949 (VCV000428949.5), dbSNP rs754023358, ClinGen allele CA399000300.